The following is an entry in ClinVar:

ClinVar aggregate classification (germline): Likely pathogenic (1 of 4 stars; one submission).

Conditions:
Furrowed tongue. Also called: SCROTAL TONGUE; LINGUA PLICATA; Plicated tongue. Identifiers: MedGen C0040412, HP:0000221.

Allele frequency attached by ClinVar (database versions not stated): TOPMed below 0.00001.

Submission:

Institute of Human Genetics, University of Goettingen
Classification: Likely pathogenic for Furrowed tongue. Last evaluated: 2021-07-14. Review status: criteria provided, single submitter. Criteria: ACMG Guidelines, 2015. Collection method: clinical testing. Allele origin: germline. Inheritance: Autosomal dominant inheritance. Affected: yes. Observed: 6 variant alleles, 6 heterozygotes. Clinical features observed: Abnormal tongue morphology (HP:0030809), Narrow face (HP:0000275), Numerous pigmented freckles (HP:0007587), Abnormal foot morphology (HP:0001760).
Comment: For the following reasons we consider the variant as likely pathogenic: 1. a comparison with the gnomAD browser did not provide any evidence that this sequence change is a norm variant that can also be detected in non-affected individuals; 2. the variant is uniform classified as pathogenic/disease causing by four independent prediction programs (MutationTaster, SIFT, M-CAP, PolyPhen-2) 3. the c.3G>T (p.Met1?) variant in TP63 has been reported in a family with six individuals presenting with a striking novel phenotype characterized by a furrowed or cleft tongue, a narrow face, reddish hair, freckles and various foot deformities. Sequencing confirmed dominant inheritance of this unique variant in all six affected family members (three-generations)

NM_003722.5(TP63):c.3G>T (p.Met1Ile)

Gene: TP63 (tumor protein p63; plus strand). Cytogenetic location: 3q28.
Variant type: single nucleotide variant.
Coding change: c.3G>T on transcript NM_003722.5 (MANE Select); coding-DNA position 3, G replaced by T.
Protein change: p.Met1Ile; changes the start codon (methionine 1).
Molecular consequence: missense variant, initiator codon variant. On other transcripts: intron variant (1).
Genome position (GRCh38, 1-based): chr3:189,631,518, G>T. VCF-style: chr3-189631518-G-T. GRCh37 (hg19) VCF-style: chr3-189349307-G-T.
Other names: c.3G>T, p.Met1Ile (NM_001114978.2, NM_001114979.2, NM_001329144.2 and 1 more transcripts); c.56+34280G>T (NM_001329964.2); short protein forms M1I.
Identifiers: ClinVar variation 1178338 (VCV001178338.4), dbSNP rs1028553870, ClinGen allele CA90171723.
Genomic context (GRCh38, chr3:189,631,518, plus strand): 5'-ATGTGTATATTTTATATAATTGTTCTCCGTTCGTTGATATCAAAGACAGTTGAAGGAAAT[G>T]AATTTTGAAACTTCACGGTGTGCCACCCTACAGTACTGCCCTGACCCTTACATCCAGCGG-3'
Protein context (NP_003713.3, residues 1-11): [Met1Ile]NFETSRCATL